The following is an entry in ClinVar:

NM_138272.3(MPIG6B):c.684G>A (p.Ala228=)

Gene: MPIG6B (megakaryocyte and platelet inhibitory receptor G6b; plus strand). Cytogenetic location: 6p21.33.
Variant type: single nucleotide variant.
Coding change: c.684G>A on transcript NM_138272.3 (MANE Select); coding-DNA position 684, G replaced by A.
Protein change: p.Ala228=; no amino-acid change (alanine 228 retained).
Molecular consequence: synonymous variant. On other transcripts: missense variant (2), 3 prime UTR variant (1).
Genome position (GRCh38, 1-based): chr6:31,725,032, G>A. VCF-style: chr6-31725032-G-A. GRCh37 (hg19) VCF-style: chr6-31692809-G-A.
Other names: c.703G>A, p.Gly235Arg (NM_025260.4); c.612G>A, p.Ala204= (NM_138273.3); c.571G>A, p.Gly191Arg (NM_138274.3); c.552G>A, p.Ala184= (NM_138275.3); c.*159G>A (NM_138277.3); short protein forms G191R, G235R.
Identifiers: ClinVar variation 5038397 (VCV005038397.1).

ClinVar aggregate classification (germline): Uncertain significance (1 of 4 stars; one submission).

Conditions:
Thrombocytopenia, anemia, and myelofibrosis (THAMY). Identifiers: MedGen C4479504, MONDO:0044316, OMIM 617441.

Submission:

St. Jude Molecular Pathology, St. Jude Children's Research Hospital
Classification: Uncertain significance for Thrombocytopenia, anemia, and myelofibrosis. Last evaluated: 2026-10-01. Review status: criteria provided, single submitter. Criteria: St. Jude Assertion Criteria 2020. Collection method: clinical testing. Allele origin: germline.
Comment: The MPIG6B c.703G>A p.(Gly235Arg) missense chang e a maximum subpopulation frequency of 0.0098% in gnomAD v2.1.1. The in silico tool REVEL predicts a benign effect on protein function and no splicing effects are predicted, but to our knowledge these predictions have not been confirmed by functional studies. To our knowledge, this variant has not been reported in individuals with MPIG6B-related conditions. In summary, the evidence currently available is insufficient to determine the clinical significance of this var iant. It has therefore been classified as of uncertain significance.